The following is an entry in ClinVar:

NM_001458.5(FLNC):c.7135+6C>T

Genes: FLNC (filamin C; plus strand), FLNC-AS1 (FLNC antisense RNA 1; minus strand). Cytogenetic location: 7q32.1.
Variant type: single nucleotide variant.
Coding change: c.7135+6C>T on transcript NM_001458.5 (MANE Select); 6 bases into the intron after coding-DNA position 7135, C replaced by T.
Molecular consequence: intron variant.
Genome position (GRCh38, 1-based): chr7:128,854,918, C>T. VCF-style: chr7-128854918-C-T. GRCh37 (hg19) VCF-style: chr7-128494972-C-T.
Other names: c.7036+6C>T (NM_001127487.2).
Identifiers: ClinVar variation 953661 (VCV000953661.10), dbSNP rs774739675, ClinGen allele CA4476163.
Genomic context (GRCh38, chr7:128,854,918, plus strand): 5'-TTTGAGGATCGCAAAGATGGCTCCTGCGGCGTCTCCTATGTCGTCCAGGAACCAGGTGGG[C>T]GTCCACACTGGCAGTGGGGCTGGGCCTGCCTGACCTTCCAGACTGGGTTTCTGCCCACTG-3'

ClinVar aggregate classification (germline): Conflicting classifications of pathogenicity. Review status: criteria provided, conflicting classifications (1 of 4 stars). 2 submissions from 2 submitters: Uncertain significance (1); Benign (1). Last evaluated 2026-04-03.

Conditions:
Myofibrillar myopathy 5. Also called: Filaminopathy (type); FILAMINOPATHY, AUTOSOMAL DOMINANT. Identifiers: Orphanet 171445, MedGen C1836050, MONDO:0012289, OMIM 609524.
Distal myopathy with posterior leg and anterior hand involvement. Also called: WILLIAMS DISTAL MYOPATHY. Identifiers: Orphanet 63273, MedGen C3279722, MONDO:0013550, OMIM 614065.
Hypertrophic cardiomyopathy 26. Also called: Cardiomyopathy, familial hypertrophic, 26. Identifiers: Orphanet 75249, MedGen C4310749, MONDO:0014883, OMIM 617047.

Allele frequency attached by ClinVar (database versions not stated): gnomAD 0.00001; gnomAD exomes 0.00002 and 0.00005; TOPMed 0.00002; ExAC 0.00004.
gnomAD v4.1: 35 of 1,613,654 alleles (0.0022%); highest among the groups gnomAD compares: South Asian, 0.033%; no homozygotes.

Submissions (2):

Women's Health and Genetics/Laboratory Corporation of America, LabCorp
Classification: Benign. Last evaluated: 2026-04-03. Review status: criteria provided, single submitter. Criteria: LabCorp Variant Classification Summary - May 2015. Collection method: clinical testing. Allele origin: germline.

Labcorp Genetics (formerly Invitae), Labcorp
Classification: Uncertain significance for Distal myopathy with posterior leg and anterior hand involvement; Myofibrillar myopathy 5; Hypertrophic cardiomyopathy 26. Last evaluated: 2025-12-17. Review status: criteria provided, single submitter. Criteria: Invitae Variant Classification Sherloc (09022015). Collection method: clinical testing. Allele origin: germline.
Comment: This sequence change falls in intron 42 of the FLNC gene. It does not directly change the encoded amino acid sequence of the FLNC protein. It affects a nucleotide within the consensus splice site. This variant is present in population databases (rs774739675, gnomAD 0.03%). This variant has not been reported in the literature in individuals affected with FLNC-related conditions. ClinVar contains an entry for this variant (Variation ID: 953661). Variants that disrupt the consensus splice site are a relatively common cause of aberrant splicing (PMID: 17576681, 9536098). Algorithms developed to predict the effect of sequence changes on RNA splicing suggest that this variant is not likely to affect RNA splicing. In summary, the available evidence is currently insufficient to determine the role of this variant in disease. Therefore, it has been classified as a Variant of Uncertain Significance.

Literature cited by the submitters: PubMed 17576681 (cited by Labcorp Genetics (formerly Invitae), Labcorp); PubMed 9536098 (cited by Labcorp Genetics (formerly Invitae), Labcorp).